The following is an entry in ClinVar:

NM_020812.4(DOCK6):c.5997C>A (p.Tyr1999Ter)

Gene: DOCK6 (dedicator of cytokinesis 6; minus strand). Cytogenetic location: 19p13.2.
Variant type: single nucleotide variant.
Coding change: c.5997C>A on transcript NM_020812.4 (MANE Select); coding-DNA position 5997, C replaced by A.
Protein change: p.Tyr1999Ter; replaces tyrosine 1999 with a stop codon.
Molecular consequence: nonsense.
Genome position (GRCh38, 1-based): chr19:11,200,412, G>T on the plus strand (C>A on the coding strand, the complement: DOCK6 is on the minus strand). VCF-style: chr19-11200412-G-T. GRCh37 (hg19) VCF-style: chr19-11311088-G-T.
Other names: c.6102C>A, p.Tyr2034Ter (NM_001367830.1); short protein forms Y1999*, Y2034*.
Identifiers: ClinVar variation 2098760 (VCV002098760.4), dbSNP rs1238075992, ClinGen allele CA404069250.

ClinVar aggregate classification (germline): Pathogenic (1 of 4 stars; one submission).

Submission:

Labcorp Genetics (formerly Invitae), Labcorp
Classification: Pathogenic. Last evaluated: 2022-09-19. Review status: criteria provided, single submitter. Criteria: Invitae Variant Classification Sherloc (09022015). Collection method: clinical testing. Allele origin: germline.
Comment: For these reasons, this variant has been classified as Pathogenic. This variant has not been reported in the literature in individuals affected with DOCK6-related conditions. This variant is not present in population databases (gnomAD no frequency). This sequence change creates a premature translational stop signal (p.Tyr1999*) in the DOCK6 gene. It is expected to result in an absent or disrupted protein product. Loss-of-function variants in DOCK6 are known to be pathogenic (PMID: 21820096, 25824905).

Literature cited by the submitters: PubMed 21820096; PubMed 25824905.